The following is an entry in ClinVar:

ClinVar aggregate classification (germline): Likely benign (1 of 4 stars; one submission).

Allele frequency attached by ClinVar (database versions not stated): 1000 Genomes Project 30x 0.00187; ExAC 0.00652; ESP Exome Variant Server 0.00661; 1000 Genomes Project 0.00180.
gnomAD v4.1: 10,087 of 1,614,028 alleles (0.62%); highest among the groups gnomAD compares: Non-Finnish European, 0.71%; 50 homozygotes.

Submission:

CeGaT Center for Human Genetics Tuebingen
Classification: Likely benign. Last evaluated: 2023-02-01. Review status: criteria provided, single submitter. Criteria: CeGaT Center For Human Genetics Tuebingen Variant Classification Criteria Version 2. Collection method: clinical testing. Allele origin: germline. Affected: yes. Observed: 1 variant allele.
Comment: ZNF544: BP4, BP7, BS2

NM_014480.4(ZNF544):c.48C>T (p.Phe16=)

Gene: ZNF544 (zinc finger protein 544; plus strand). Cytogenetic location: 19q13.43.
Variant type: single nucleotide variant.
Coding change: c.48C>T on transcript NM_014480.4 (MANE Select); coding-DNA position 48, C replaced by T.
Protein change: p.Phe16=; no amino-acid change (phenylalanine 16 retained).
Molecular consequence: synonymous variant. On other transcripts: 5 prime UTR variant (1).
Genome position (GRCh38, 1-based): chr19:58,246,315, C>T. VCF-style: chr19-58246315-C-T. GRCh37 (hg19) VCF-style: chr19-58757681-C-T.
Other names: c.48C>T, p.Phe16= (NM_001387394.1, NM_001387395.1, NM_001387397.1 and 47 more transcripts); c.210C>T, p.Phe70= (NM_001387396.1, NM_001387410.1, NM_001387413.1 and 6 more transcripts); c.-13C>T (NM_001387415.1).
Identifiers: ClinVar variation 2650584 (VCV002650584.24), dbSNP rs112829677, ClinGen allele CA9712325.
Genomic context (GRCh38, chr19:58,246,315, plus strand): 5'-CATGAGGACCTGGGGTCTCTGAGCAGTAACAAGTGCCCTGTTTCAGGCATCTGTGTGCTT[C>T]GAGGATGTGGCTATGGCATTCACACAGGAGGAGTGGGAACAGCTGGACCTGGCCCAGAGG-3'
Protein context (NP_055295.2, residues 6-26): MLVPPQASVC[Phe16=]EDVAMAFTQE